The following is an entry in ClinVar:

NM_000258.3(MYL3):c.191C>T (p.Thr64Ile)

Gene: MYL3 (myosin light chain 3; minus strand). Cytogenetic location: 3p21.31.
Variant type: single nucleotide variant.
Coding change: c.191C>T on transcript NM_000258.3 (MANE Select); coding-DNA position 191, C replaced by T.
Protein change: p.Thr64Ile; replaces threonine 64 with isoleucine.
Molecular consequence: missense variant.
Genome position (GRCh38, 1-based): chr3:46,860,792, G>A on the plus strand (C>T on the coding strand, the complement: MYL3 is on the minus strand). VCF-style: chr3-46860792-G-A. GRCh37 (hg19) VCF-style: chr3-46902282-G-A.
Other names: short protein forms T64I.
Identifiers: ClinVar variation 636485 (VCV000636485.9), dbSNP rs1575498249, ClinGen allele CA352498526.

ClinVar aggregate classification (germline): Uncertain significance. Review status: criteria provided, multiple submitters, no conflicts (2 of 4 stars). 2 submissions from 2 submitters: Uncertain significance (2). Last evaluated 2022-03-09.

Conditions:
Hypertrophic cardiomyopathy. Also called: HYPERTROPHIC MYOCARDIOPATHY. Identifiers: Orphanet 217569, MedGen C0007194, MeSH D002312, MONDO:0005045, HP:0001639.

Submissions (2):

Labcorp Genetics (formerly Invitae), Labcorp
Classification: Uncertain significance for Hypertrophic cardiomyopathy. Last evaluated: 2022-03-09. Review status: criteria provided, single submitter. Criteria: Invitae Variant Classification Sherloc (09022015). Collection method: clinical testing. Allele origin: germline.
Comment: This sequence change replaces threonine, which is neutral and polar, with isoleucine, which is neutral and non-polar, at codon 64 of the MYL3 protein (p.Thr64Ile). This variant is not present in population databases (gnomAD no frequency). This variant has not been reported in the literature in individuals affected with MYL3-related conditions. ClinVar contains an entry for this variant (Variation ID: 636485). Algorithms developed to predict the effect of missense changes on protein structure and function are either unavailable or do not agree on the potential impact of this missense change (SIFT: "Tolerated"; PolyPhen-2: "Probably Damaging"; Align-GVGD: "Class C0"). In summary, the available evidence is currently insufficient to determine the role of this variant in disease. Therefore, it has been classified as a Variant of Uncertain Significance.

Blueprint Genetics
Classification: Uncertain significance. Last evaluated: 2020-10-05. Review status: criteria provided, single submitter. Criteria: ACMG Guidelines, 2015. Collection method: clinical testing. Allele origin: germline.